The following is an entry in ClinVar:

ClinVar aggregate classification (germline): Uncertain significance (1 of 4 stars; one submission).

Conditions:
Megabladder, congenital. Identifiers: MedGen C5231472, MONDO:0032879, OMIM 618719.

Submission:

Juno Genomics, Hangzhou Juno Genomics, Inc
Classification: Uncertain significance for Megabladder, congenital. Review status: criteria provided, single submitter. Criteria: ACMG Guidelines, 2015. Collection method: clinical testing. Allele origin: germline.
Comment: Absent from controls (or at extremely low frequency if recessive) in Genome Aggregation Database.;Null variant in a gene where loss of function (LOF) is a known mechanism of disease.

NM_001146312.3(MYOCD):c.383del (p.Pro128fs)

Gene: MYOCD (myocardin; plus strand). Cytogenetic location: 17p12.
Variant type: Deletion.
Coding change: c.383del on transcript NM_001146312.3 (MANE Select); coding-DNA position 383, one base deleted (C; older notation c.383delC).
Protein change: p.Pro128fs; shifts the reading frame from proline 128.
Molecular consequence: frameshift variant.
Genome position (GRCh38, 1-based): chr17:12,722,976, C deleted; the last of 2 consecutive C bases (chr17:12,722,975-12,722,976); deleting either gives the same sequence. VCF-style (leftmost placement, unchanged base first): chr17-12722974-TC-T. GRCh37 (hg19) VCF-style: chr17-12626291-TC-T.
Other names: c.146del, p.Pro49fs (NM_001378306.1); c.383del, p.Pro128fs (NM_153604.4); short protein forms P128fs, P49fs.
Identifiers: ClinVar variation 5019370 (VCV005019370.2).